The following is an entry in ClinVar:

ClinVar aggregate classification (germline): Uncertain significance (1 of 4 stars; one submission).

Submission:

Women's Health and Genetics/Laboratory Corporation of America, LabCorp
Classification: Uncertain significance. Last evaluated: 2025-05-28. Review status: criteria provided, single submitter. Criteria: LabCorp Variant Classification Summary - May 2015. Collection method: clinical testing. Allele origin: germline.
Comment: Variant summary: GFM1 c.640A>T (p.Ile214Phe) results in a non-conservative amino acid change in the encoded protein sequence. Algorithms developed to predict the effect of missense changes on protein structure and function are either unavailable or do not agree on the potential impact of this missense change. The variant was absent in 251370 control chromosomes (gnomAD). The available data on variant occurrences in the general population are insufficient to allow any conclusion about variant significance. c.640A>T has been observed in an individual affected with features of Combined Oxidative Phosphorylation Deficiency 1 (de Castro_2020). These data do not allow any conclusion about variant significance. To our knowledge, no experimental evidence demonstrating an impact on protein function has been reported. The following publications have been ascertained in the context of this evaluation (PMID: 32718099, 34440436). No submitters have cited clinical-significance assessments for this variant to ClinVar. Based on the evidence outlined above, the variant was classified as uncertain significance.

Literature cited by the submitters: PubMed 34440436; PubMed 32718099.

NM_024996.7(GFM1):c.640A>T (p.Ile214Phe)

Gene: GFM1 (G elongation factor mitochondrial 1; plus strand). Cytogenetic location: 3q25.32.
Variant type: single nucleotide variant.
Coding change: c.640A>T on transcript NM_024996.7 (MANE Select); coding-DNA position 640, A replaced by T.
Protein change: p.Ile214Phe; replaces isoleucine 214 with phenylalanine.
Molecular consequence: missense variant. On other transcripts: non-coding transcript variant (2), intron variant (3).
Genome position (GRCh38, 1-based): chr3:158,649,108, A>T. VCF-style: chr3-158649108-A-T. GRCh37 (hg19) VCF-style: chr3-158366897-A-T.
Other names: c.640A>T, p.Ile214Phe (NM_001308164.2, NM_001308166.2, NM_001374355.1); c.415A>T, p.Ile139Phe (NM_001374357.1); c.73A>T, p.Ile25Phe (NM_001374359.1, NM_001374360.1); c.572+2161A>T (NM_001374356.1); c.6-2988A>T (NM_001374361.1); c.235-2992A>T (NM_001374358.1); short protein forms I139F, I214F, I25F.
Identifiers: ClinVar variation 3902510 (VCV003902510.1).